The following is an entry in ClinVar:

ClinVar aggregate classification (germline): Uncertain significance. Review status: criteria provided, multiple submitters, no conflicts (2 of 4 stars). 2 submissions from 2 submitters: Uncertain significance (2). Last evaluated 2025-10-16.

Conditions:
RMRP-related disorder. Also called: RMRP-related condition.
Anauxetic dysplasia. Identifiers: Orphanet 93347, MedGen C1846796, MONDO:0011773.

gnomAD v4.1: 2 of 700,454 alleles (0.00029%); highest among the groups gnomAD compares: South Asian, 0.0015%; no homozygotes.

Submissions (2):

PreventionGenetics, part of Exact Sciences
Classification: Uncertain significance for RMRP-related condition. Last evaluated: 2025-10-16. Review status: criteria provided, single submitter. Criteria: ACMG Guidelines, 2015. Collection method: clinical testing. Allele origin: germline.
Comment: The RMRP n.80G>T is a noncoding alteration. This variant, reported as 79G>T, was reported in the compound heterozygous state in a fetus with metaphyseal chondrodysplasia, McKusick type (Lam et al. 2006. PubMed ID: 16941720). This variant was also reported with the n.71A>G pathogenic variant with an unknown phenotype (table S7 in Stranneheim et al. 2021. PubMed ID: 33726816). This variant is reported in 0.0020% of alleles in individuals of European (Non-Finnish) descent in gnomAD. Although we suspect that this variant may be pathogenic, at this time, the clinical significance of this variant is uncertain due to the absence of conclusive functional and genetic evidence.

Labcorp Genetics (formerly Invitae), Labcorp
Classification: Uncertain significance for Anauxetic dysplasia. Last evaluated: 2022-10-27. Review status: criteria provided, single submitter. Criteria: Invitae Variant Classification Sherloc (09022015). Collection method: clinical testing. Allele origin: germline.
Comment: This variant occurs in the RMRP gene, which encodes an RNA molecule that does not result in a protein product. This variant is present in population databases (no rsID available, gnomAD 0.002%). This variant has been observed in individual(s) with cartilage-hair hypoplasia anauxetic dysplasia (PMID: 16941720). This variant is also known as r.79G>T. In summary, the available evidence is currently insufficient to determine the role of this variant in disease. Therefore, it has been classified as a Variant of Uncertain Significance.

Literature cited by the submitters: PubMed 16941720 (cited by Labcorp Genetics (formerly Invitae), Labcorp).

NR_003051.4(RMRP):n.81G>T

Gene: RMRP (RNA component of mitochondrial RNA processing endoribonuclease; minus strand). Cytogenetic location: 9p13.3.
Variant type: single nucleotide variant.
Genome position: GRCh38 VCF-style: chr9-35657939-C-A. GRCh37 (hg19) VCF-style: chr9-35657936-C-A.
Identifiers: ClinVar variation 2136772 (VCV002136772.3), dbSNP rs756128568, ClinGen allele CA464450846.
Genomic context (GRCh38, chr9:35,657,939, plus strand): 5'-TGGAGTGGGAAGCGGGGAATGTCTACGTGCGTATGCACGTGGCACTCTCTGCCCGAGGTC[C>A]GGGGACTTTCCCCTAGGCGGAAAGGGGAGGAACAGAGTCCTCAGTGTGTAGCCTAGGATA-3'